The following is an entry in ClinVar:

NM_152384.3(BBS5):c.620G>A (p.Arg207His)

Gene: BBS5 (Bardet-Biedl syndrome 5; plus strand). Cytogenetic location: 2q31.1.
Variant type: single nucleotide variant.
Coding change: c.620G>A on transcript NM_152384.3 (MANE Select); coding-DNA position 620, G replaced by A.
Protein change: p.Arg207His; replaces arginine 207 with histidine.
Molecular consequence: missense variant.
Genome position (GRCh38, 1-based): chr2:169,497,628, G>A. VCF-style: chr2-169497628-G-A. GRCh37 (hg19) VCF-style: chr2-170354138-G-A.
Other names: short protein forms R207H.
Identifiers: ClinVar variation 96499 (VCV000096499.44), dbSNP rs35487251, ClinGen allele CA149557.
Genomic context (GRCh38, chr2:169,497,628, plus strand): 5'-AAGAGTCACTATTCAGTTAATAAAAACTTGCATGTTTTTCTTTTTCATTTTGTATCTAGC[G>A]TTCAATAAAGATTAGAGATTCAAAATTTGGTTTAGCTCTTGTCATAGAAAGCTCTCAGCA-3'
Protein context (NP_689597.1, residues 197-217): FNVSIPYLQI[Arg207His]SIKIRDSKFG

ClinVar aggregate classification (germline): Benign/Likely benign. Review status: criteria provided, multiple submitters, no conflicts (2 of 4 stars). 10 submissions from 10 submitters: Benign (6); Likely benign (2). 2 of the submissions do not count toward it. Last evaluated 2026-03-01.

Conditions:
Bardet-Biedl syndrome (BBS). Identifiers: Orphanet 110, MedGen C0752166, MONDO:0015229.

Allele frequency attached by ClinVar (database versions not stated): 1000 Genomes Project 0.00499; ExAC 0.00642; gnomAD exomes 0.00656 and 0.00813; 1000 Genomes Project 30x 0.00515; TOPMed 0.00512; gnomAD 0.00625 and 0.00615; ESP Exome Variant Server 0.00662.
gnomAD v4.1: 12,368 of 1,576,430 alleles (0.78%); highest among the groups gnomAD compares: Non-Finnish European, 0.88%; 87 homozygotes.

Submissions (10):

CeGaT Center for Human Genetics Tuebingen
Classification: Likely benign. Last evaluated: 2026-03-01. Review status: criteria provided, single submitter. Criteria: CeGaT Center For Human Genetics Tuebingen Variant Classification Criteria Version 2. Collection method: clinical testing. Allele origin: germline. Affected: yes. Observed: 11 variant alleles.
Comment: BBS5: BP4, BS2

Labcorp Genetics (formerly Invitae), Labcorp
Classification: Benign for Bardet-Biedl syndrome. Last evaluated: 2026-02-04. Review status: criteria provided, single submitter. Criteria: Invitae Variant Classification Sherloc (09022015). Collection method: clinical testing. Allele origin: germline.

Mayo Clinic Laboratories, Mayo Clinic
Classification: Likely benign. Last evaluated: 2025-06-24. Review status: criteria provided, single submitter. Criteria: ACMG Guidelines, 2015. Collection method: clinical testing. Allele origin: germline. Observed: 1 variant allele.
Comment: BS1, BP4

Women's Health and Genetics/Laboratory Corporation of America, LabCorp
Classification: Benign. Last evaluated: 2022-02-18. Review status: criteria provided, single submitter. Criteria: LabCorp Variant Classification Summary - May 2015. Collection method: clinical testing. Allele origin: germline.
Comment: Variant summary: BBS5 c.620G>A (p.Arg207His) results in a non-conservative amino acid change in the encoded protein sequence. Three of five in-silico tools predict a damaging effect of the variant on protein function. 4/4 computational tools predict no significant impact on normal splicing. However, these predictions have yet to be confirmed by functional studies. The variant allele was found at a frequency of 0.0066 in 250580 control chromosomes in the gnomAD database, including 11 homozygotes. The observed variant frequency is approximately 10 fold of the estimated maximal expected allele frequency for a pathogenic variant in BBS5 causing Bardet-Biedl Syndrome phenotype (0.00062), strongly suggesting that the variant is benign. Two clinical diagnostic laboratories have submitted clinical-significance assessments for this variant to ClinVar after 2014 and all laboratories classified the variant as benign. Based on the evidence outlined above, the variant was classified as benign.

Genetic Services Laboratory, University of Chicago
Classification: Benign. Last evaluated: 2018-07-05. Review status: criteria provided, single submitter. Criteria: ACMG Guidelines, 2015. Collection method: clinical testing. Allele origin: germline. Affected: no.

Eurofins Ntd Llc (ga)
Classification: Benign. Last evaluated: 2013-10-25. Review status: criteria provided, single submitter. Criteria: EGL Classification Definitions 2015. Collection method: clinical testing. Allele origin: germline. Observed: 1 variant allele, 1 heterozygote.

Breakthrough Genomics
Classification: Benign. Review status: criteria provided, single submitter. Criteria: ACMG Guidelines, 2015. Collection method: not provided. Allele origin: germline. Inheritance: Autosomal recessive inheritance. Affected: yes.

PreventionGenetics, part of Exact Sciences
Classification: Benign. Review status: criteria provided, single submitter. Criteria: ACMG Guidelines, 2015. Collection method: clinical testing. Allele origin: germline.

Clinical Genetics, Academic Medical Center
Classification: Benign. Review status: no assertion criteria provided. Collection method: clinical testing. Allele origin: germline. Affected: yes. Study: VKGL Data-share Consensus. Not counted in ClinVar's aggregate classification.

Genome Diagnostics Laboratory, University Medical Center Utrecht
Classification: Likely benign. Review status: no assertion criteria provided. Collection method: clinical testing. Allele origin: germline. Affected: yes. Study: VKGL Data-share Consensus. Not counted in ClinVar's aggregate classification.

Literature cited by the submitters: PubMed 15137946 (cited by Mayo Clinic Laboratories, Mayo Clinic); PubMed 20498079 (cited by Mayo Clinic Laboratories, Mayo Clinic); PubMed 22995991 (cited by Mayo Clinic Laboratories, Mayo Clinic); PubMed 25525159 (cited by Mayo Clinic Laboratories, Mayo Clinic); PubMed 34448047 (cited by Mayo Clinic Laboratories, Mayo Clinic); PubMed 35835773 (cited by Mayo Clinic Laboratories, Mayo Clinic).